The following is an entry in ClinVar:

NM_000964.4(RARA):c.20C>G (p.Ser7Cys)

Gene: RARA (retinoic acid receptor alpha; plus strand). Cytogenetic location: 17q21.2.
Variant type: single nucleotide variant.
Coding change: c.20C>G on transcript NM_000964.4 (MANE Select); coding-DNA position 20, C replaced by G.
Protein change: p.Ser7Cys; replaces serine 7 with cysteine.
Molecular consequence: missense variant.
Genome position (GRCh38, 1-based): chr17:40,331,238, C>G. VCF-style: chr17-40331238-C-G. GRCh37 (hg19) VCF-style: chr17-38487490-C-G.
Other names: c.20C>G, p.Ser7Cys (NM_001145301.3, NM_001145302.3); short protein forms S7C.
Identifiers: ClinVar variation 3774539 (VCV003774539.1).

ClinVar aggregate classification (germline): Uncertain significance (1 of 4 stars; one submission).

Conditions:
Familial meningioma. Also called: Meningioma, familial, susceptibility to. Identifiers: Orphanet 263662, MedGen C3551915, MONDO:0011789, OMIM 607174.

gnomAD v4.1: 143 of 1,612,622 alleles (0.0089%); highest among the groups gnomAD compares: Non-Finnish European, 0.01%; no homozygotes.

Submission:

Dr. Guy Rouleau's laboratory, McGill University
Classification: Uncertain significance for Familial meningioma. Last evaluated: 2025-03-22. Review status: criteria provided, single submitter. Criteria: ACMG Guidelines, 2015. Collection method: research. Allele origin: germline. Affected: yes.
Comment: This missense variant at the position 7, is change from Serine (S), neutral and polar amino acid to Cysteine (C) neutral and sulfur-containing amino acid in RARA gene. This variant has been reported in population database (gnomAD v2.1.1 allele frequency =0.00004640, exome coverage 53X). Based on the available evidence, the clinical significance of this variant is unknown.